The following is an entry in ClinVar:

NM_000414.4(HSD17B4):c.44C>T (p.Thr15Ile)

Genes: HSD17B4 (hydroxysteroid 17-beta dehydrogenase 4; plus strand), LOC129994460 (ATAC-STARR-seq lymphoblastoid active region 22989; plus strand). Cytogenetic location: 5q23.1.
Variant type: single nucleotide variant.
Coding change: c.44C>T on transcript NM_000414.4 (MANE Select); coding-DNA position 44, C replaced by T.
Protein change: p.Thr15Ile; replaces threonine 15 with isoleucine.
Molecular consequence: missense variant. On other transcripts: 5 prime UTR variant (8), non-coding transcript variant (2).
Genome position (GRCh38, 1-based): chr5:119,452,619, C>T. VCF-style: chr5-119452619-C-T. GRCh37 (hg19) VCF-style: chr5-118788314-C-T.
Other names: c.-135C>T (NM_001199291.3); c.44C>T, p.Thr15Ile (NM_001199292.2, NM_001374497.1, NM_001374498.1); c.-94C>T (NM_001292027.2); c.-556C>T (NM_001292028.2, NM_001374501.1); c.-490C>T (NM_001374499.1); c.-683C>T (NM_001374500.1); c.-561C>T (NM_001374502.1); c.-626C>T (NM_001374503.1); short protein forms T15I.
Identifiers: ClinVar variation 1921189 (VCV001921189.5), dbSNP rs1332217802, ClinGen allele CA360861729.
Genomic context (GRCh38, chr5:119,452,619, plus strand): 5'-CGTTGCAGGCCTTATTCATGGGCTCACCGCTGAGGTTCGACGGGCGGGTGGTACTGGTCA[C>T]CGGCGCGGGGGCAGGTGAGCATGCGAAGGTTGGAGGCCGCGCCCCTTGCTGAGGCGCAGC-3'
Protein context (NP_000405.1, residues 5-25): LRFDGRVVLV[Thr15Ile]GAGAGLGRAY

ClinVar aggregate classification (germline): Uncertain significance (1 of 4 stars; one submission).

Conditions:
Bifunctional peroxisomal enzyme deficiency (DBIF). Also called: DBP DEFICIENCY; PBFE DEFICIENCY; D-bifunctional protein deficiency. Identifiers: Orphanet 300, MedGen C0342870, MONDO:0009855, OMIM 261515. Disease mechanism: loss of function.
Perrault syndrome. Also called: Gonadal dysgenesis with auditory dysfunction, autosomal recessive inheritance. Identifiers: Orphanet 2855, MedGen C0685838, MONDO:0017312.

Submission:

Labcorp Genetics (formerly Invitae), Labcorp
Classification: Uncertain significance for Perrault syndrome; Bifunctional peroxisomal enzyme deficiency. Last evaluated: 2025-04-14. Review status: criteria provided, single submitter. Criteria: Invitae Variant Classification Sherloc (09022015). Collection method: clinical testing. Allele origin: germline.
Comment: This sequence change replaces threonine, which is neutral and polar, with isoleucine, which is neutral and non-polar, at codon 15 of the HSD17B4 protein (p.Thr15Ile). This variant is not present in population databases (gnomAD no frequency). This variant has not been reported in the literature in individuals affected with HSD17B4-related conditions. ClinVar contains an entry for this variant (Variation ID: 1921189). Invitae Evidence Modeling of protein sequence and biophysical properties (such as structural, functional, and spatial information, amino acid conservation, physicochemical variation, residue mobility, and thermodynamic stability) indicates that this missense variant is expected to disrupt HSD17B4 protein function with a positive predictive value of 95%. In summary, the available evidence is currently insufficient to determine the role of this variant in disease. Therefore, it has been classified as a Variant of Uncertain Significance.